The following is an entry in ClinVar:

ClinVar aggregate classification (germline): Uncertain significance. Review status: criteria provided, multiple submitters, no conflicts (2 of 4 stars). 3 submissions from 3 submitters: Uncertain significance (3). Last evaluated 2026-02-24.

Conditions:
Familial visceral amyloidosis, Ostertag type (AMYLD2). Also called: AMYLOIDOSIS VIII; Hereditary Renal Amyloidosis; Ostertag type amyloidosis; AMYLOIDOSIS, HEREDITARY SYSTEMIC 2; Familial visceral amyloidosis; Amyloidosis, hepatic and systemic. Identifiers: Orphanet 85450, MedGen C0268389, MONDO:0007099, OMIM 105200.
Congenital afibrinogenemia. Identifiers: Orphanet 335, Orphanet 98880, MedGen C2584774, MONDO:0008737, OMIM 202400.
Familial dysfibrinogenemia. Also called: Dysfibrinogenemia, congenital. Identifiers: Orphanet 335, Orphanet 98881, MedGen C0272350, MONDO:0014452, OMIM 616004.

Submissions (3):

Women's Health and Genetics/Laboratory Corporation of America, LabCorp
Classification: Uncertain significance. Last evaluated: 2026-02-24. Review status: criteria provided, single submitter. Criteria: LabCorp Variant Classification Summary - May 2015. Collection method: clinical testing. Allele origin: germline.
Comment: Variant summary: FGA c.428G>A (p.Arg143His) results in a non-conservative amino acid change in the encoded protein sequence. Algorithms developed to predict the effect of missense changes on protein structure and function are either unavailable or do not agree on the potential impact of this missense change. The variant allele was found at a frequency of 0.00012 in 251224 control chromosomes. This frequency is not significantly higher than estimated for disease-causing variants in FGA, allowing no conclusion about variant significance. To our knowledge, c.428G>A has not been observed in individual(s) affected with Dysfibrinogenemia, Congenital and no experimental evidence demonstrating an impact on protein function have been reported. The following publications has been ascertained in the context of this evaluation (PMID: 31965297). ClinVar contains an entry for this variant (Variation ID: 3590346). Based on the evidence outlined above, the variant was classified as uncertain significance.

Fulgent Genetics
Classification: Uncertain significance for Familial visceral amyloidosis, Ostertag type; Congenital afibrinogenemia; Familial dysfibrinogenemia. Last evaluated: 2024-02-26. Review status: criteria provided, single submitter. Criteria: ACMG Guidelines, 2015. Collection method: clinical testing. Allele origin: germline.

Department of Pathology and Laboratory Medicine, Sinai Health System
Classification: Uncertain significance for Familial visceral amyloidosis, Ostertag type; Congenital afibrinogenemia. Last evaluated: 2021-11-12. Review status: criteria provided, single submitter. Criteria: ACMG Guidelines, 2015. Collection method: research. Allele origin: germline.

Literature cited by the submitters: PubMed 31965297 (cited by Women's Health and Genetics/Laboratory Corporation of America, LabCorp); PubMed 40099427 (cited by Women's Health and Genetics/Laboratory Corporation of America, LabCorp).

NM_021871.4(FGA):c.428G>A (p.Arg143His)

Gene: FGA (fibrinogen alpha chain; minus strand). Cytogenetic location: 4q31.3.
Variant type: single nucleotide variant.
Coding change: c.428G>A on transcript NM_021871.4 (MANE Select); coding-DNA position 428, G replaced by A.
Protein change: p.Arg143His; replaces arginine 143 with histidine.
Molecular consequence: missense variant.
Genome position (GRCh38, 1-based): chr4:154,587,594, C>T on the plus strand (G>A on the coding strand, the complement: FGA is on the minus strand). VCF-style: chr4-154587594-C-T. GRCh37 (hg19) VCF-style: chr4-155508746-C-T.
Other names: c.428G>A, p.Arg143His (NM_000508.5); short protein forms R143H.
Identifiers: ClinVar variation 3590346 (VCV003590346.3).